The following is an entry in ClinVar:

NM_006329.4(FBLN5):c.*647C>T

Gene: FBLN5 (fibulin 5; minus strand). Cytogenetic location: 14q32.12.
Variant type: single nucleotide variant.
Coding change: c.*647C>T on transcript NM_006329.4 (MANE Select); 647 bases downstream of the stop codon, C replaced by T.
Molecular consequence: 3 prime UTR variant.
Genome position (GRCh38, 1-based): chr14:91,869,577, G>A on the plus strand (C>T on the coding strand, the complement: FBLN5 is on the minus strand). VCF-style: chr14-91869577-G-A. GRCh37 (hg19) VCF-style: chr14-92335921-G-A.
Other names: c.*647C>T (NM_001384158.1, NM_001384159.1, NM_001384162.1); c.*778C>T (NM_001384160.1, NM_001384161.1).
Identifiers: ClinVar variation 314862 (VCV000314862.6), dbSNP rs10197, ClinGen allele CA10646541.

ClinVar aggregate classification (germline): Benign/Likely benign. Review status: criteria provided, multiple submitters, no conflicts (2 of 4 stars). 3 submissions from 2 submitters: Benign (1); Likely benign (2). Last evaluated 2018-01-12.

Conditions:
Cutis laxa. Identifiers: Orphanet 209, MedGen C0010495, MONDO:0016175, HP:0000973.
Macular degeneration, age-related, 3 (ARMD3). Identifiers: Orphanet 280598, MedGen C1837187, MONDO:0012145, OMIM 608895.

Allele frequency attached by ClinVar (database versions not stated): 1000 Genomes Project 30x 0.00078; 1000 Genomes Project 0.00080; TOPMed 0.00243; gnomAD 0.00252 and 0.00262; gnomAD exomes 0.00258.
gnomAD v4.1: 388 of 154,688 alleles (0.25%); highest among the groups gnomAD compares: Non-Finnish European, 0.43%; 1 homozygote.

Submissions (3):

Illumina Laboratory Services, Illumina
Classification: Benign for Cutis laxa. Last evaluated: 2018-01-12. Review status: criteria provided, single submitter. Criteria: ICSL Variant Classification Criteria 13 December 2019. Collection method: clinical testing. Allele origin: germline.
Comment: This variant was observed in the ICSL laboratory as part of a predisposition screen in an ostensibly healthy population. It had not been previously curated by ICSL or reported in the Human Gene Mutation Database (HGMD: prior to June 1st, 2018), and was therefore a candidate for classification through an automated scoring system. Utilizing variant allele frequency, disease prevalence and penetrance estimates, and inheritance mode, an automated score was calculated to assess if this variant is too frequent to cause the disease. Based on the score and internal cut-off values, a variant classified as benign is not then subjected to further curation. The score for this variant resulted in a classification of benign for this disease.

Illumina Laboratory Services, Illumina
Classification: Likely benign for Macular degeneration, age-related, 3. Last evaluated: 2018-01-12. Review status: criteria provided, single submitter. Criteria: ICSL Variant Classification Criteria 13 December 2019. Collection method: clinical testing. Allele origin: germline.
Comment: This variant was observed in the ICSL laboratory as part of a predisposition screen in an ostensibly healthy population. It had not been previously curated by ICSL or reported in the Human Gene Mutation Database (HGMD: prior to June 1st, 2018), and was therefore a candidate for classification through an automated scoring system. Utilizing variant allele frequency, disease prevalence and penetrance estimates, and inheritance mode, an automated score was calculated to assess if this variant is too frequent to cause the disease. Based on the score and internal cut-off values, a variant classified as likely benign is not then subjected to further curation. The score for this variant resulted in a classification of likely benign for this disease.

Breakthrough Genomics
Classification: Likely benign. Review status: criteria provided, single submitter. Criteria: ACMG Guidelines, 2015. Collection method: not provided. Allele origin: germline. Inheritance: Autosomal recessive inheritance. Affected: yes.